The following is an entry in ClinVar:

ClinVar aggregate classification (germline): Likely benign. Review status: criteria provided, multiple submitters, no conflicts (2 of 4 stars). 3 submissions from 3 submitters: Likely benign (2). 1 of the submissions does not count toward it. Last evaluated 2025-02-16.

Conditions:
Ovarian neoplasm. Also called: Ovarian tumor; Ovarian Neoplasms; Neoplasm of ovary. Identifiers: MedGen C0919267, MeSH D010051, MONDO:0021068, HP:0100615.

Submissions (3):

Laboratory of Genetics, Children's Clinical University Hospital Latvia
Classification: Likely benign. Last evaluated: 2025-02-16. Review status: criteria provided, single submitter. Criteria: ACMG Guidelines, 2015. Collection method: clinical testing. Allele origin: germline. Affected: yes.

Ophthalmic Genetics Group, Institute of Molecular and Clinical Ophthalmology Basel
Classification: Likely benign for Neoplasm of ovary. Last evaluated: 2023-08-29. Review status: criteria provided, single submitter. Criteria: ACMG Guidelines, 2015. Collection method: curation. Allele origin: unknown.
Comment: Clinical significance based on ACMG v2.0

This variant was classified as Benign based on ACMG criteria: BA1.

Department of Zoology Govt. MVM College
Classification: Likely pathogenic for Neoplasm of ovary. Review status: no assertion criteria provided. Collection method: not provided. Allele origin: unknown. Not counted in ClinVar's aggregate classification.
Comment: KM273788 KM276980 KM276983;KM276948
ClinVar note: Converted during submission from probable-pathogenic to Likely pathogenic.

NC_012920.1(MT-CYB):m.15670T>C

Gene: MT-CYB (mitochondrially encoded cytochrome b; plus strand).
Variant type: single nucleotide variant.
Genome position: chrM-15670-T-C.
Identifiers: ClinVar variation 143927 (VCV000143927.4), dbSNP rs193302997, ClinGen allele CA345761.